The following is an entry in ClinVar:

NM_003906.5(MCM3AP):c.3574G>A (p.Glu1192Lys)

Gene: MCM3AP (minichromosome maintenance complex component 3 associated protein; minus strand). Cytogenetic location: 21q22.3.
Variant type: single nucleotide variant.
Coding change: c.3574G>A on transcript NM_003906.5 (MANE Select); coding-DNA position 3574, G replaced by A.
Protein change: p.Glu1192Lys; replaces glutamic acid 1192 with lysine.
Molecular consequence: missense variant.
Genome position (GRCh38, 1-based): chr21:46,260,800, C>T on the plus strand (G>A on the coding strand, the complement: MCM3AP is on the minus strand). VCF-style: chr21-46260800-C-T. GRCh37 (hg19) VCF-style: chr21-47680714-C-T.
Other names: short protein forms E1192K.
Identifiers: ClinVar variation 1475117 (VCV001475117.3), dbSNP rs903698901, ClinGen allele CA321984806.
Genomic context (GRCh38, chr21:46,260,800, plus strand): 5'-GCAGAGCCAAAGCTCACTCTCCTGGCACAGCAAGACACCAGCGTTTCACTTACTTCAACT[C>T]CTGGGAGCAGGTTTCCCTCACAAACTCCATCATCACGCGTTCCATCAGCTCCACGGCCAG-3'
Protein context (NP_003897.2, residues 1182-1202): MEFVRETCSQ[Glu1192Lys]LKNAVETDQR

ClinVar aggregate classification (germline): Uncertain significance (1 of 4 stars; one submission).

Allele frequency attached by ClinVar (database versions not stated): gnomAD exomes below 0.00001; gnomAD 0.00001.
gnomAD v4.1: 7 of 1,612,854 alleles (0.00043%); highest among the groups gnomAD compares: Middle Eastern, 0.016%; no homozygotes.

Submission:

Labcorp Genetics (formerly Invitae), Labcorp
Classification: Uncertain significance. Last evaluated: 2022-06-27. Review status: criteria provided, single submitter. Criteria: Invitae Variant Classification Sherloc (09022015). Collection method: clinical testing. Allele origin: germline.
Comment: This sequence change replaces glutamic acid, which is acidic and polar, with lysine, which is basic and polar, at codon 1192 of the MCM3AP protein (p.Glu1192Lys). This variant is present in population databases (no rsID available, gnomAD 0.003%). This variant has not been reported in the literature in individuals affected with MCM3AP-related conditions. Algorithms developed to predict the effect of missense changes on protein structure and function are either unavailable or do not agree on the potential impact of this missense change (SIFT: "Deleterious"; PolyPhen-2: "Probably Damaging"; Align-GVGD: "Class C0"). In summary, the available evidence is currently insufficient to determine the role of this variant in disease. Therefore, it has been classified as a Variant of Uncertain Significance.